The following is an entry in ClinVar:

NM_203290.4(POLR1C):c.326G>A (p.Arg109His)

Gene: POLR1C (RNA polymerase I and III subunit C; plus strand). Cytogenetic location: 6p21.1.
Variant type: single nucleotide variant.
Coding change: c.326G>A on transcript NM_203290.4 (MANE Select); coding-DNA position 326, G replaced by A.
Protein change: p.Arg109His; replaces arginine 109 with histidine.
Molecular consequence: missense variant.
Genome position (GRCh38, 1-based): chr6:43,519,782, G>A. VCF-style: chr6-43519782-G-A. GRCh37 (hg19) VCF-style: chr6-43487520-G-A.
Other names: c.326G>A, p.Arg109His (NM_001318876.2, NM_001363658.2); short protein forms R109H.
Identifiers: ClinVar variation 204592 (VCV000204592.9), dbSNP rs796052127, ClinGen allele CA204044.

ClinVar aggregate classification (germline): Pathogenic/Likely pathogenic. Review status: criteria provided, multiple submitters, no conflicts (2 of 4 stars). 5 submissions from 5 submitters: Pathogenic (1); Likely pathogenic (2). 2 of the submissions do not count toward it. Last evaluated 2023-09-27.

Conditions:
POLR1C-related disorder. Also called: POLR1C-related condition; POLR1C-related disorders. Identifiers: MedGen CN239394, MONDO:0700278.
Leukodystrophy, hypomyelinating, 11. Identifiers: Orphanet 88637, MedGen C4225305, MONDO:0014666, OMIM 616494.
Treacher Collins syndrome 3 (TCS3). Also called: POLR1C-Related Treacher Collins Syndrome. Identifiers: Orphanet 861, MedGen C1855433, MONDO:0009558, OMIM 248390.

Allele frequency attached by ClinVar (database versions not stated): gnomAD 0.00002 and 0.00003; TOPMed 0.00002.
gnomAD v4.1: 14 of 1,614,048 alleles (0.00087%); highest among the groups gnomAD compares: South Asian, 0.0044%; no homozygotes.

Submissions (5):

Women's Health and Genetics/Laboratory Corporation of America, LabCorp
Classification: Likely pathogenic for POLR1C-related disorder. Last evaluated: 2023-09-27. Review status: criteria provided, single submitter. Criteria: LabCorp Variant Classification Summary - May 2015. Collection method: clinical testing. Allele origin: germline.
Comment: Variant summary: POLR1C c.326G>A (p.Arg109His) results in a non-conservative amino acid change located in the DNA-directed RNA polymerase, insert domain (IPR011262) of the encoded protein sequence. Five of five in-silico tools predict a damaging effect of the variant on protein function. The variant allele was found at a frequency of 8e-06 in 251486 control chromosomes (gnomAD). c.326G>A has been reported in the literature in compound heterozygous individuals affected with Leukodystrophy (Thiffault_2015, Farnaes_2018, Clark_2019, Yan_2021, De La Vega_2021). These data indicate that the variant is likely to be associated with disease. To our knowledge, no experimental evidence demonstrating an impact on protein function has been reported. The following publications have been ascertained in the context of this evaluation (PMID: 33804237, 31019026, 34645491, 29644095, 33888711, 26151409, 33597727). Two submitters have cited clinical-significance assessments for this variant to ClinVar after 2014. All submitters classified the variant as pathogenic and likely pathogenic. Based on the evidence outlined above, the variant was classified as likely pathogenic.

Rady Children's Institute for Genomic Medicine, Rady Children's Hospital San Diego
Classification: Likely pathogenic for TREACHER COLLINS SYNDROME 3. Last evaluated: 2016-11-03. Review status: criteria provided, single submitter. Criteria: ACMG Guidelines, 2015. Collection method: clinical testing. Allele origin: germline. Affected: yes. Observed: 1 variant allele.
Comment: The c.326G>A (p.Arg109His) variant is a missense variant in the POLR1C gene. This missense variant is absent from the 1000 Genomes, Exome Variant Server (EVS), and Exome Aggregation Corsotium (ExAC) databases. Thus, it is presumed to be rare. The p.Arg109His variant was reported in the compound heterozygous state in two patients with leukodystrophy (PMID: 26151409). The amino acid position is highly conserved and in silico algorithms predict the variant to be damaging. Based on the combined information, the p.Arg109His variant is classified as a likely pathogenic variant.

MyeliNeuroGene Lab, McGill University Health Center Research Institute
Classification: Pathogenic for Leukodystrophy, hypomyelinating, 11. Review status: criteria provided, single submitter. Criteria: ACMG Guidelines, 2015. Collection method: research. Allele origin: maternal. Inheritance: Autosomal recessive inheritance. Affected: no.

OMIM
Classification: Pathogenic for LEUKODYSTROPHY, HYPOMYELINATING, 11. Last evaluated: 2015-07-07. Review status: no assertion criteria provided. Collection method: literature only. Allele origin: germline. Not counted in ClinVar's aggregate classification.

GeneReviews
No classification provided. Condition: Leukodystrophy, hypomyelinating, 11. Review status: no classification provided. Collection method: literature only. Allele origin: germline. Not counted in ClinVar's aggregate classification.

Literature cited by the submitters: PubMed 29644095 (cited by Women's Health and Genetics/Laboratory Corporation of America, LabCorp); PubMed 33804237 (cited by Women's Health and Genetics/Laboratory Corporation of America, LabCorp); PubMed 26151409 (cited by 3 submitters); PubMed 31019026 (cited by Women's Health and Genetics/Laboratory Corporation of America, LabCorp); PubMed 34645491 (cited by Women's Health and Genetics/Laboratory Corporation of America, LabCorp); PubMed 33888711 (cited by Women's Health and Genetics/Laboratory Corporation of America, LabCorp); PubMed 33597727 (cited by Women's Health and Genetics/Laboratory Corporation of America, LabCorp); PubMed 610060 (cited by MyeliNeuroGene Lab, McGill University Health Center Research Institute); PubMed 22855961 (cited by GeneReviews).